The following is an entry in ClinVar:

NM_003742.4(ABCB11):c.1897A>C (p.Thr633Pro)

Gene: ABCB11 (ATP binding cassette subfamily B member 11; minus strand). Cytogenetic location: 2q31.1.
Variant type: single nucleotide variant.
Coding change: c.1897A>C on transcript NM_003742.4 (MANE Select); coding-DNA position 1897, A replaced by C.
Protein change: p.Thr633Pro; replaces threonine 633 with proline.
Molecular consequence: missense variant.
Genome position (GRCh38, 1-based): chr2:168,969,464, T>G on the plus strand (A>C on the coding strand, the complement: ABCB11 is on the minus strand). VCF-style: chr2-168969464-T-G. GRCh37 (hg19) VCF-style: chr2-169825974-T-G.
Other names: short protein forms T633P.
Identifiers: ClinVar variation 4846192 (VCV004846192.1).
Genomic context (GRCh38, chr2:168,969,464, plus strand): 5'-GAGTGAAGTAAACACCTTTCCTTTCCAGTAATTCTTCATGGGTCCCTCTTTCCACTGCAG[T>G]GCCATGTTCAAAACCAATGATGGTATCTGCAGCTCTGACCGTAGACAAGCGATGAGCAAC-3'
Protein context (NP_003733.2, residues 623-643): ADTIIGFEHG[Thr633Pro]AVERGTHEEL

ClinVar aggregate classification (germline): Uncertain significance (1 of 4 stars; one submission).

Conditions:
Familial intrahepatic cholestasis. Identifiers: Orphanet 284385, MedGen CN296401, MONDO:0017290.

Submission:

Genomenon, Inc
Classification: Uncertain significance for Familial intrahepatic cholestasis. Last evaluated: 2026-04-14. Review status: criteria provided, single submitter. Criteria: Genomenon Sequence Variant Interpretation Standards - Updated. Collection method: curation. Allele origin: germline. Affected: yes.
Comment: ABCB11 p.Thr633Pro (c.1897A>C) is a missense variant that changes the amino acid at residue 633 from Threonine to Proline. This variant has been observed in at least one proband with an ABCB11-related disorder (PMID:24516753). It is absent or not present at a significant frequency in gnomAD. In silico models predict that this variant is possibly or probably damaging. In conclusion, we classify ABCB11 p.Thr633Pro (c.1897A>C) as a variant of uncertain significance.

Literature cited by the submitters: PubMed 24516753.